The following is an entry in ClinVar:

NM_002485.5(NBN):c.379G>C (p.Ala127Pro)

Gene: NBN (nibrin; minus strand). Cytogenetic location: 8q21.3.
Variant type: single nucleotide variant.
Coding change: c.379G>C on transcript NM_002485.5 (MANE Select); coding-DNA position 379, G replaced by C.
Protein change: p.Ala127Pro; replaces alanine 127 with proline.
Molecular consequence: missense variant.
Genome position (GRCh38, 1-based): chr8:89,980,835, C>G on the plus strand (G>C on the coding strand, the complement: NBN is on the minus strand). VCF-style: chr8-89980835-C-G. GRCh37 (hg19) VCF-style: chr8-90993063-C-G.
Other names: c.133G>C, p.Ala45Pro (NM_001024688.3); short protein forms A45P, A127P.
Identifiers: ClinVar variation 824231 (VCV000824231.4), dbSNP rs876658453, ClinGen allele CA371662004.

ClinVar aggregate classification (germline): Uncertain significance (1 of 4 stars; one submission).

Conditions:
Hereditary cancer-predisposing syndrome. Also called: Neoplastic Syndromes, Hereditary; Tumor predisposition; Hereditary neoplastic syndrome; Hereditary Cancer Syndrome. Identifiers: Orphanet 140162, MedGen C0027672, MeSH D009386, MONDO:0015356.

Submission:

Ambry Genetics
Classification: Uncertain significance for Hereditary cancer-predisposing syndrome. Last evaluated: 2019-04-04. Review status: criteria provided, single submitter. Criteria: Ambry Variant Classification Scheme 2023. Collection method: clinical testing. Allele origin: germline.
Comment: The p.A127P variant (also known as c.379G>C), located in coding exon 4 of the NBN gene, results from a G to C substitution at nucleotide position 379. The alanine at codon 127 is replaced by proline, an amino acid with highly similar properties. This amino acid position is not well conserved in available vertebrate species. In addition, this alteration is predicted to be tolerated by in silico analysis. Since supporting evidence is limited at this time, the clinical significance of this alteration remains unclear.